The following is an entry in ClinVar:

NM_015466.4(PTPN23):c.2981_2997dup (p.Tyr1000fs)

Gene: PTPN23 (protein tyrosine phosphatase non-receptor type 23; plus strand). Cytogenetic location: 3p21.31.
Variant type: Duplication.
Coding change: c.2981_2997dup on transcript NM_015466.4 (MANE Select); coding-DNA positions 2981 to 2997, 17 bases duplicated (CACAATCCCCCTACCCC).
Protein change: p.Tyr1000fs; shifts the reading frame from tyrosine 1000.
Molecular consequence: frameshift variant.
Genome position (GRCh38, 1-based): chr3:47,410,779-47,410,795, CACAATCCCCCTACCCC duplicated; duplicating any 17 consecutive bases within chr3:47,410,771-47,410,795 gives the same sequence; the c. name uses the placement nearest the transcript's 3' end. VCF-style (leftmost placement, unchanged base first): chr3-47410770-T-TCCTACCCCCACAATCCC. GRCh37 (hg19) VCF-style: chr3-47452260-T-TCCTACCCCCACAATCCC.
Other names: c.2603_2619dup, p.Tyr874fs (NM_001304482.2); short protein forms Y874fs, Y1000fs.
Identifiers: ClinVar variation 2852671 (VCV002852671.3), dbSNP rs2546251911, ClinGen allele CA2665524082.

ClinVar aggregate classification (germline): Pathogenic (1 of 4 stars; one submission).

Submission:

Labcorp Genetics (formerly Invitae), Labcorp
Classification: Pathogenic. Last evaluated: 2023-06-18. Review status: criteria provided, single submitter. Criteria: Invitae Variant Classification Sherloc (09022015). Collection method: clinical testing. Allele origin: germline.
Comment: This sequence change creates a premature translational stop signal (p.Tyr1000Hisfs*166) in the PTPN23 gene. It is expected to result in an absent or disrupted protein product. Loss-of-function variants in PTPN23 are known to be pathogenic (PMID: 29090338, 29899372). This variant is not present in population databases (gnomAD no frequency). This variant has not been reported in the literature in individuals affected with PTPN23-related conditions. For these reasons, this variant has been classified as Pathogenic.

Literature cited by the submitters: PubMed 29090338; PubMed 29899372.